The following is an entry in ClinVar:

NM_133259.4(LRPPRC):c.2046_2047insGGGCCGGGCGCGGTGGCTCACGCCTGTAATCCCAGCACTTTGGGAGGCCGAGGCGGGCGGATCACGAGGTCANNNNNNNNNNAAAAAAAAAAAAAAAAAAAAAAGAGATGTCCTA (p.Lys683fs)

Gene: LRPPRC (leucine rich pentatricopeptide repeat containing; minus strand). Cytogenetic location: 2p21.
Variant type: Insertion.
Coding change: c.2046_2047insGGGCCGGGCGCGGTGGCTCACGCCTGTAATCCCAGCACTTTGGGAGGCCGAGGCGGGCGGATCACGAGGTCANNNNNNNNNNAAAAAAAAAAAAAAAAAAAAAAGAGATGTCCTA on transcript NM_133259.4 (MANE Select); coding-DNA positions 2046 to 2047, GGGCCGGGCGCGGTGGCTCACGCCTGTAATCCCAGCACTTTGGGAGGCCGAGGCGGGCGGATCACGAGGTCANNNNNNNNNNAAAAAAAAAAAAAAAAAAAAAAGAGATGTCCTA inserted.
Protein change: p.Lys683fs; shifts the reading frame from lysine 683.
Molecular consequence: frameshift variant.
Genome position: GRCh38: chr2:43,947,302-43,947,303. GRCh37 (hg19): chr2:44,174,441-44,174,442.
Other names: short protein forms K683fs.
Identifiers: ClinVar variation 2026351 (VCV002026351.4), dbSNP rs2466569435.

ClinVar aggregate classification (germline): Pathogenic (1 of 4 stars; one submission).

Submission:

Labcorp Genetics (formerly Invitae), Labcorp
Classification: Pathogenic. Last evaluated: 2022-08-22. Review status: criteria provided, single submitter. Criteria: Invitae Variant Classification Sherloc (09022015). Collection method: clinical testing. Allele origin: germline.
Comment: For these reasons, this variant has been classified as Pathogenic. Retrotransposon insertions including LINE1 (L1), Alu, and SVA (SINE-VNTR-Alu) have been reported to be disease-causing through disruption of either a coding region or splice site (PMID: 19763152, 20307669, 22406018) and loss-of-function variants in LRPPRC are known to be pathogenic (PMID: 26510951). Algorithms developed to predict the effect of sequence changes on RNA splicing suggest that this variant may disrupt the consensus splice site. This variant has not been reported in the literature in individuals affected with LRPPRC-related conditions. This variant is not present in population databases (gnomAD no frequency). This sequence change inserts a large fragment of DNA, likely a transposable element, in exon 20 of the LRPPRC gene (c.2046_2047ins?), causing a frameshift at codon 683 (p.Lys683fs). The exact size and sequence of the insertion cannot be determined by the current assay. However, the insertion is expected to result in an absent or disrupted protein product.

Literature cited by the submitters: PubMed 19763152; PubMed 20307669; PubMed 22406018; PubMed 26510951.